The following is an entry in ClinVar:

ClinVar aggregate classification (germline): Uncertain significance (1 of 4 stars; one submission).

Allele frequency attached by ClinVar (database versions not stated): gnomAD exomes below 0.00001.
gnomAD v4.1: 3 of 1,614,072 alleles (0.00019%); highest among the groups gnomAD compares: Non-Finnish European, 0.00017%; no homozygotes.

Submission:

Labcorp Genetics (formerly Invitae), Labcorp
Classification: Uncertain significance. Last evaluated: 2021-06-20. Review status: criteria provided, single submitter. Criteria: Invitae Variant Classification Sherloc (09022015). Collection method: clinical testing. Allele origin: germline.
Comment: Nucleotide substitutions within the consensus splice site are a relatively common cause of aberrant splicing (PMID: 17576681, 9536098). Algorithms developed to predict the effect of sequence changes on RNA splicing suggest that this variant may disrupt the consensus splice site, but this prediction has not been confirmed by published transcriptional studies. In summary, the available evidence is currently insufficient to determine the role of this variant in disease. Therefore, it has been classified as a Variant of Uncertain Significance. This variant has not been reported in the literature in individuals with POLE-related disease. This variant is not present in population databases (ExAC no frequency). This sequence change affects codon 773 of the POLE mRNA. It is a 'silent' change, meaning that it does not change the encoded amino acid sequence of the POLE protein. This variant also falls at the last nucleotide of exon 20 of the POLE coding sequence, which is part of the consensus splice site for this exon.

Literature cited by the submitters: PubMed 17576681; PubMed 9536098.

NM_006231.4(POLE):c.2319G>A (p.Lys773=)

Gene: POLE (DNA polymerase epsilon, catalytic subunit; minus strand). Cytogenetic location: 12q24.33.
Variant type: single nucleotide variant.
Coding change: c.2319G>A on transcript NM_006231.4 (MANE Select); coding-DNA position 2319, G replaced by A.
Protein change: p.Lys773=; no amino-acid change (lysine 773 retained).
Molecular consequence: synonymous variant.
Genome position (GRCh38, 1-based): chr12:132,667,503, C>T on the plus strand (G>A on the coding strand, the complement: POLE is on the minus strand). VCF-style: chr12-132667503-C-T. GRCh37 (hg19) VCF-style: chr12-133244089-C-T.
Identifiers: ClinVar variation 567648 (VCV000567648.6), dbSNP rs1565964510, ClinGen allele CA482721361.
Genomic context (GRCh38, chr12:132,667,503, plus strand): 5'-TCATGAGCCGACTGAAACTGCCCTCACAGAGGCCAAAGCTTGCAGCCCCTCAGAGCTCAC[C>T]TTGTGGAGCCCTTTGAACTCGTAACGCCTGTCCCGGAAGGCACGCACGGTGTCCACGTAG-3'
Protein context (NP_006222.2, residues 763-783): DRRYEFKGLH[Lys773=]VWKKKLSAAV